The following is an entry in ClinVar:

NM_005566.4(LDHA):c.*582C>T

Gene: LDHA (lactate dehydrogenase A; plus strand). Cytogenetic location: 11p15.1.
Variant type: single nucleotide variant.
Coding change: c.*582C>T on transcript NM_005566.4 (MANE Select); 582 bases downstream of the stop codon, C replaced by T.
Molecular consequence: 3 prime UTR variant. On other transcripts: non-coding transcript variant (1).
Genome position (GRCh38, 1-based): chr11:18,407,863, C>T. VCF-style: chr11-18407863-C-T. GRCh37 (hg19) VCF-style: chr11-18429410-C-T.
Other names: c.*582C>T (NM_001135239.2, NM_001165414.2); c.*487C>T (NM_001165415.2); c.*731C>T (NM_001165416.2).
Identifiers: ClinVar variation 303923 (VCV000303923.5), dbSNP rs144317385, ClinGen allele CA5911493.

ClinVar aggregate classification (germline): Likely benign (1 of 4 stars; one submission).

Conditions:
Glycogen storage disease due to lactate dehydrogenase M-subunit deficiency (GSD11). Also called: GSD XI; LACTATE DEHYDROGENASE A DEFICIENCY; Glycogen storage disease XI. Identifiers: Orphanet 284426, MedGen C2931743, MONDO:0013047, OMIM 612933.

Allele frequency attached by ClinVar (database versions not stated): gnomAD 0.01049 and 0.01099; 1000 Genomes Project 0.01478; gnomAD exomes 0.00238 and 0.00142; ExAC 0.00056; TOPMed 0.01119; 1000 Genomes Project 30x 0.01546.
gnomAD v4.1: 2,023 of 454,088 alleles (0.45%); highest among the groups gnomAD compares: African/African-American, 3.6%; 40 homozygotes.

Submission:

Illumina Laboratory Services, Illumina
Classification: Likely benign for Glycogen storage disease due to lactate dehydrogenase M-subunit deficiency. Last evaluated: 2018-01-12. Review status: criteria provided, single submitter. Criteria: ICSL Variant Classification Criteria 13 December 2019. Collection method: clinical testing. Allele origin: germline.
Comment: This variant was observed in the ICSL laboratory as part of a predisposition screen in an ostensibly healthy population. It had not been previously curated by ICSL or reported in the Human Gene Mutation Database (HGMD: prior to June 1st, 2018), and was therefore a candidate for classification through an automated scoring system. Utilizing variant allele frequency, disease prevalence and penetrance estimates, and inheritance mode, an automated score was calculated to assess if this variant is too frequent to cause the disease. Based on the score and internal cut-off values, a variant classified as likely benign is not then subjected to further curation. The score for this variant resulted in a classification of likely benign for this disease.